The following is an entry in ClinVar:

NM_000217.3(KCNA1):c.387G>A (p.Lys129=)

Gene: KCNA1 (potassium voltage-gated channel subfamily A member 1; plus strand). Cytogenetic location: 12p13.32.
Variant type: single nucleotide variant.
Coding change: c.387G>A on transcript NM_000217.3 (MANE Select); coding-DNA position 387, G replaced by A.
Protein change: p.Lys129=; no amino-acid change (lysine 129 retained).
Molecular consequence: synonymous variant.
Genome position (GRCh38, 1-based): chr12:4,911,765, G>A. VCF-style: chr12-4911765-G-A. GRCh37 (hg19) VCF-style: chr12-5020931-G-A.
Identifiers: ClinVar variation 767610 (VCV000767610.11), dbSNP rs777644212, ClinGen allele CA6399375.

ClinVar aggregate classification (germline): Likely benign. Review status: criteria provided, multiple submitters, no conflicts (2 of 4 stars). 2 submissions from 2 submitters: Likely benign (2). Last evaluated 2026-09-01.

Conditions:
Episodic ataxia type 1 (EA1). Also called: ATAXIA, EPISODIC, WITH MYOKYMIA; MYOKYMIA WITH PERIODIC ATAXIA; PAROXYSMAL ATAXIA WITH NEUROMYOTONIA, HEREDITARY; Episodic ataxia/myokymia syndrome. Identifiers: Orphanet 37612, Orphanet 972, MedGen C1719788, MONDO:0008047, OMIM 160120.

Allele frequency attached by ClinVar (database versions not stated): gnomAD exomes 0.00001 and 0.00004; TOPMed 0.00002; ExAC 0.00004; gnomAD 0.00001.

Submissions (2):

CeGaT Center for Human Genetics Tuebingen
Classification: Likely benign. Last evaluated: 2026-09-01. Review status: criteria provided, single submitter. Criteria: CeGaT Center For Human Genetics Tuebingen Variant Classification Criteria Version 2. Collection method: clinical testing. Allele origin: germline. Affected: yes. Observed: 1 variant allele.
Comment: KCNA1: BP4

Labcorp Genetics (formerly Invitae), Labcorp
Classification: Likely benign for Episodic ataxia type 1. Last evaluated: 2025-08-17. Review status: criteria provided, single submitter. Criteria: Invitae Variant Classification Sherloc (09022015). Collection method: clinical testing. Allele origin: germline.